The following is an entry in ClinVar:

NM_014991.6(WDFY3):c.8723A>G (p.His2908Arg)

Gene: WDFY3 (WD repeat and FYVE domain containing 3; minus strand). Cytogenetic location: 4q21.23.
Variant type: single nucleotide variant.
Coding change: c.8723A>G on transcript NM_014991.6 (MANE Select); coding-DNA position 8723, A replaced by G.
Protein change: p.His2908Arg; replaces histidine 2908 with arginine.
Molecular consequence: missense variant.
Genome position (GRCh38, 1-based): chr4:84,696,148, T>C on the plus strand (A>G on the coding strand, the complement: WDFY3 is on the minus strand). VCF-style: chr4-84696148-T-C. GRCh37 (hg19) VCF-style: chr4-85617301-T-C.
Other names: short protein forms H2908R.
Identifiers: ClinVar variation 4681075 (VCV004681075.1).

ClinVar aggregate classification (germline): Uncertain significance (1 of 4 stars; one submission).

gnomAD v4.1: 1 of 1,614,132 alleles (0.000062%); highest among the groups gnomAD compares: Non-Finnish European, 0.000085%; no homozygotes.

Submission:

GeneDx
Classification: Uncertain significance. Last evaluated: 2025-06-30. Review status: criteria provided, single submitter. Criteria: GeneDx Variant Classification Process June 2021. Collection method: clinical testing. Allele origin: germline. Affected: yes.
Comment: Not observed at significant frequency in large population cohorts (gnomAD); In silico analysis supports that this missense variant has a deleterious effect on protein structure/function; Has not been previously published as pathogenic or benign to our knowledge